The following is an entry in ClinVar:

NM_152419.3(HGSNAT):c.1052G>A (p.Arg351Gln)

Gene: HGSNAT (heparan-alpha-glucosaminide N-acetyltransferase; plus strand). Cytogenetic location: 8p11.21.
Variant type: single nucleotide variant.
Coding change: c.1052G>A on transcript NM_152419.3 (MANE Select); coding-DNA position 1052, G replaced by A.
Protein change: p.Arg351Gln; replaces arginine 351 with glutamine.
Molecular consequence: missense variant.
Genome position (GRCh38, 1-based): chr8:43,182,184, G>A. VCF-style: chr8-43182184-G-A. GRCh37 (hg19) VCF-style: chr8-43037327-G-A.
Other names: c.1052G>A, p.Arg351Gln (NM_001363227.2); c.860G>A, p.Arg287Gln (NM_001363228.2); c.188G>A, p.Arg63Gln (NM_001363229.2); short protein forms R287Q, R63Q, R351Q.
Identifiers: ClinVar variation 848971 (VCV000848971.4), dbSNP rs1299209150, ClinGen allele CA371118374.

ClinVar aggregate classification (germline): Uncertain significance. Review status: criteria provided, single submitter (1 of 4 stars). 2 submissions from 2 submitters: Uncertain significance (1). 1 of the submissions does not count toward it. Last evaluated 2022-10-13.

Conditions:
Mucopolysaccharidosis, MPS-III-C (MPS3C). Also called: SANFILIPPO SYNDROME C; mucopolysaccharidosis type 3C; Mucopolysaccharidosis type IIIC (Sanfilippo C); MPS IIIC (Sanfilippo Syndrome Type C); MUCOPOLYSACCHARIDOSIS, TYPE IIIC; MPS III C. Identifiers: Orphanet 581, Orphanet 79271, MedGen C0086649, MONDO:0009657, OMIM 252930.
Retinitis pigmentosa 73 (RP73). Identifiers: Orphanet 791, MedGen C4225287, MONDO:0014687, OMIM 616544.

Allele frequency attached by ClinVar (database versions not stated): gnomAD exomes below 0.00001; TOPMed 0.00001.
gnomAD v4.1: 1 of 1,614,018 alleles (0.000062%); highest among the groups gnomAD compares: Non-Finnish European, 0.000085%; no homozygotes.

Submissions (2):

Labcorp Genetics (formerly Invitae), Labcorp
Classification: Uncertain significance for Retinitis pigmentosa 73; Mucopolysaccharidosis, MPS-III-C. Last evaluated: 2022-10-13. Review status: criteria provided, single submitter. Criteria: Invitae Variant Classification Sherloc (09022015). Collection method: clinical testing. Allele origin: germline.
Comment: This sequence change replaces arginine, which is basic and polar, with glutamine, which is neutral and polar, at codon 351 of the HGSNAT protein (p.Arg351Gln). This variant is not present in population databases (gnomAD no frequency). This missense change has been observed in individual(s) with clinical features of retinitis pigmentosa (Invitae). ClinVar contains an entry for this variant (Variation ID: 848971). Advanced modeling of protein sequence and biophysical properties (such as structural, functional, and spatial information, amino acid conservation, physicochemical variation, residue mobility, and thermodynamic stability) has been performed at Invitae for this missense variant, however the output from this modeling did not meet the statistical confidence thresholds required to predict the impact of this variant on HGSNAT protein function. In summary, the available evidence is currently insufficient to determine the role of this variant in disease. Therefore, it has been classified as a Variant of Uncertain Significance.

Natera, Inc.
Classification: Uncertain significance for Mucopolysaccharidosis type IIIC. Last evaluated: 2021-06-25. Review status: no assertion criteria provided. Collection method: clinical testing. Allele origin: germline. Not counted in ClinVar's aggregate classification.